The following is an entry in ClinVar:

ClinVar aggregate classification (germline): Uncertain significance (1 of 4 stars; one submission).

Conditions:
Chédiak-Higashi syndrome (CHS). Also called: Chediak-Higashi Syndrome. Identifiers: Orphanet 167, MedGen C0007965, MONDO:0008963, OMIM 214500.

Allele frequency attached by ClinVar (database versions not stated): gnomAD 0.00001; gnomAD exomes 0.00001; TOPMed 0.00001.
gnomAD v4.1: 13 of 1,613,970 alleles (0.00081%); highest among the groups gnomAD compares: East Asian, 0.0022%; no homozygotes.

Submission:

Labcorp Genetics (formerly Invitae), Labcorp
Classification: Uncertain significance for Chédiak-Higashi syndrome. Last evaluated: 2022-07-19. Review status: criteria provided, single submitter. Criteria: Invitae Variant Classification Sherloc (09022015). Collection method: clinical testing. Allele origin: germline.
Comment: This sequence change replaces arginine, which is basic and polar, with glutamine, which is neutral and polar, at codon 2226 of the LYST protein (p.Arg2226Gln). This variant is not present in population databases (gnomAD no frequency). This variant has not been reported in the literature in individuals affected with LYST-related conditions. Algorithms developed to predict the effect of missense changes on protein structure and function are either unavailable or do not agree on the potential impact of this missense change (SIFT: "Deleterious"; PolyPhen-2: "Probably Damaging"; Align-GVGD: "Class C0"). In summary, the available evidence is currently insufficient to determine the role of this variant in disease. Therefore, it has been classified as a Variant of Uncertain Significance.

NM_000081.4(LYST):c.6677G>A (p.Arg2226Gln)

Gene: LYST (lysosomal trafficking regulator; minus strand). Cytogenetic location: 1q42.3.
Variant type: single nucleotide variant.
Coding change: c.6677G>A on transcript NM_000081.4 (MANE Select); coding-DNA position 6677, G replaced by A.
Protein change: p.Arg2226Gln; replaces arginine 2226 with glutamine.
Molecular consequence: missense variant.
Genome position (GRCh38, 1-based): chr1:235,759,176, C>T on the plus strand (G>A on the coding strand, the complement: LYST is on the minus strand). VCF-style: chr1-235759176-C-T. GRCh37 (hg19) VCF-style: chr1-235922476-C-T.
Other names: c.6677G>A, p.Arg2226Gln (NM_001301365.1); short protein forms R2226Q.
Identifiers: ClinVar variation 2151368 (VCV002151368.1), dbSNP rs1176994714, ClinGen allele CA344939957.
Genomic context (GRCh38, chr1:235,759,176, plus strand): 5'-AGGCTTGCAATAGTGCTGTGGCTTCGCTGGAAGGAGGCCAATCCCTTTAGGTAATCAGGT[C>T]GGCGTGGGCAGGACTCATCCCCAGGACTGTCATCTTCTGACCTGGGTTCTGCTCCCAACT-3'
Protein context (NP_000072.2, residues 2216-2236): DSPGDESCPR[Arg2226Gln]PDYLKGLASF